The following is an entry in ClinVar:

NM_002150.3(HPD):c.65_66del (p.Val22fs)

Genes: HPD (4-hydroxyphenylpyruvate dioxygenase; minus strand), TIALD (transcript inducer of AURKA lysosomal degradation; plus strand). Cytogenetic location: 12q24.31.
Variant type: Microsatellite.
Coding change: c.65_66del on transcript NM_002150.3 (MANE Select); coding-DNA positions 65 to 66, 2 bases deleted (TG; older notation c.65_66delTG).
Protein change: p.Val22fs; shifts the reading frame from valine 22.
Molecular consequence: frameshift variant. On other transcripts: 5 prime UTR variant (1).
Genome position (GRCh38, 1-based): chr12:121,857,784-121,857,785, CA deleted on the plus strand (TG on the coding strand, the reverse complement: HPD is on the minus strand); deleting any 2 consecutive bases within chr12:121,857,784-121,857,787 gives the same sequence; the c. name uses the placement nearest the transcript's 3' end. VCF-style (leftmost placement, unchanged base first): chr12-121857783-TCA-T. GRCh37 (hg19) VCF-style: chr12-122295689-TCA-T.
Other names: c.-55TG[1] (NM_001171993.2); short protein forms V22fs.
Identifiers: ClinVar variation 3753543 (VCV003753543.2).

ClinVar aggregate classification (germline): Pathogenic (1 of 4 stars; one submission).

Conditions:
Hawkinsinuria. Identifiers: Orphanet 2118, MedGen C2931042, MONDO:0007700, OMIM 140350, HP:0034457.
Tyrosinemia type III. Also called: Tyrosinemia type 3; 4-alpha hydroxyphenylpyruvic acid oxidase deficiency; 4-alpha hydroxyphenylpyruvate dioxygenase deficiency; 4-Hydroxyphenylpyruvate dioxygenase deficiency; 4-HYDROXYPHENYLPYRUVIC ACID OXIDASE DEFICIENCY. Identifiers: Orphanet 69723, MedGen C0268623, MONDO:0010162, OMIM 276710.

Submission:

Labcorp Genetics (formerly Invitae), Labcorp
Classification: Pathogenic for Tyrosinemia type III; Hawkinsinuria. Last evaluated: 2024-01-25. Review status: criteria provided, single submitter. Criteria: Invitae Variant Classification Sherloc (09022015). Collection method: clinical testing. Allele origin: germline.
Comment: This sequence change creates a premature translational stop signal (p.Val22Aspfs*21) in the HPD gene. It is expected to result in an absent or disrupted protein product. Loss-of-function variants in HPD are known to be pathogenic (PMID: 10942115, 23036342). This variant is not present in population databases (gnomAD no frequency). This variant has not been reported in the literature in individuals affected with HPD-related conditions. For these reasons, this variant has been classified as Pathogenic.

Literature cited by the submitters: PubMed 10942115; PubMed 23036342.